The following is an entry in ClinVar:

NM_001020658.2(PUM1):c.1530A>G (p.Gln510=)

Gene: PUM1 (pumilio RNA binding family member 1; minus strand). Cytogenetic location: 1p35.2.
Variant type: single nucleotide variant.
Coding change: c.1530A>G on transcript NM_001020658.2 (MANE Select); coding-DNA position 1530, A replaced by G.
Protein change: p.Gln510=; no amino-acid change (glutamine 510 retained).
Molecular consequence: synonymous variant.
Genome position (GRCh38, 1-based): chr1:30,968,469, T>C on the plus strand (A>G on the coding strand, the complement: PUM1 is on the minus strand). VCF-style: chr1-30968469-T-C. GRCh37 (hg19) VCF-style: chr1-31441316-T-C.
Other names: p.Gln510=; c.1530A>G, p.Gln510= (NM_014676.3); c.1530A>G (NM_001020658.1).
Identifiers: ClinVar variation 1334970 (VCV001334970.39), dbSNP rs202191174, ClinGen allele CA729183.
Genomic context (GRCh38, chr1:30,968,469, plus strand): 5'-AGCTGCCACAAGGGGATCCGTTTGCTGTCCCTGCTGGTTCTGGTTTGGGGTCAAAGGACG[T>C]TGGCTGGCTCCTCCACGGAGAACCTGGGAAAGGAAGACAGAAATAACTCAACCACTTTCT-3'
Protein context (NP_001018494.1, residues 500-520): QQQVLRGGAS[Gln510=]RPLTPNQNQQ

ClinVar aggregate classification (germline): Likely benign. Review status: criteria provided, multiple submitters, no conflicts (2 of 4 stars). 5 submissions from 5 submitters: Likely benign (4). 1 of the submissions does not count toward it. Last evaluated 2026-09-01.

Conditions:
PUM1-related disorder. Also called: PUM1-related disorders; PUM1-related condition.

Allele frequency attached by ClinVar (database versions not stated): gnomAD 0.00021 and 0.00023; TOPMed 0.00027; 1000 Genomes Project 30x 0.00031; 1000 Genomes Project 0.00040; gnomAD exomes 0.00040 and 0.00042; ExAC 0.00045; ESP Exome Variant Server 0.00054.
gnomAD v4.1: 621 of 1,590,186 alleles (0.039%); highest among the groups gnomAD compares: Middle Eastern, 0.38%; no homozygotes.

Submissions (5):

CeGaT Center for Human Genetics Tuebingen
Classification: Likely benign. Last evaluated: 2026-09-01. Review status: criteria provided, single submitter. Criteria: CeGaT Center For Human Genetics Tuebingen Variant Classification Criteria Version 2. Collection method: clinical testing. Allele origin: germline. Affected: yes. Observed: 6 variant alleles.
Comment: PUM1: BP4, BP7

Mayo Clinic Laboratories, Mayo Clinic
Classification: Likely benign. Last evaluated: 2025-09-05. Review status: criteria provided, single submitter. Criteria: ACMG Guidelines, 2015. Collection method: clinical testing. Allele origin: germline. Observed: 1 variant allele.
Comment: BS1, BP4, BP7

Blueprint Genetics
Classification: Likely benign. Last evaluated: 2024-09-20. Review status: criteria provided, single submitter. Criteria: ACMG Guidelines, 2015. Collection method: clinical testing. Allele origin: germline.

Breakthrough Genomics
Classification: Likely benign. Review status: criteria provided, single submitter. Criteria: ACMG Guidelines, 2015. Collection method: not provided. Allele origin: germline. Inheritance: Autosomal dominant inheritance. Affected: yes.

PreventionGenetics, part of Exact Sciences
Classification: Likely benign for PUM1-related condition. Last evaluated: 2019-05-20. Review status: no assertion criteria provided. Collection method: clinical testing. Allele origin: germline. Not counted in ClinVar's aggregate classification.
Comment: This variant is classified as likely benign based on ACMG/AMP sequence variant interpretation guidelines (Richards et al. 2015 PMID: 25741868, with internal and published modifications).